The following is an entry in ClinVar:

NM_001004334.4(GPR179):c.580A>G (p.Thr194Ala)

Gene: GPR179 (G protein-coupled receptor 179; minus strand). Cytogenetic location: 17q12.
Variant type: single nucleotide variant.
Coding change: c.580A>G on transcript NM_001004334.4 (MANE Select); coding-DNA position 580, A replaced by G.
Protein change: p.Thr194Ala; replaces threonine 194 with alanine.
Molecular consequence: missense variant.
Genome position (GRCh38, 1-based): chr17:38,343,210, T>C on the plus strand (A>G on the coding strand, the complement: GPR179 is on the minus strand). VCF-style: chr17-38343210-T-C. GRCh37 (hg19) VCF-style: chr17-36499093-T-C.
Other names: short protein forms T194A.
Identifiers: ClinVar variation 2808299 (VCV002808299.3), dbSNP rs760594856, ClinGen allele CA290111526.

ClinVar aggregate classification (germline): Uncertain significance (1 of 4 stars; one submission).

Allele frequency attached by ClinVar (database versions not stated): gnomAD exomes below 0.00001; ExAC 0.00001.

Submission:

Labcorp Genetics (formerly Invitae), Labcorp
Classification: Uncertain significance. Last evaluated: 2025-07-31. Review status: criteria provided, single submitter. Criteria: Invitae Variant Classification Sherloc (09022015). Collection method: clinical testing. Allele origin: germline.
Comment: This sequence change replaces threonine, which is neutral and polar, with alanine, which is neutral and non-polar, at codon 194 of the GPR179 protein (p.Thr194Ala). This variant is present in population databases (rs760594856, gnomAD 0.0009%). This variant has not been reported in the literature in individuals affected with GPR179-related conditions. ClinVar contains an entry for this variant (Variation ID: 2808299). An algorithm developed to predict the effect of missense changes on protein structure and function (PolyPhen-2) suggests that this variant is likely to be tolerated. In summary, the available evidence is currently insufficient to determine the role of this variant in disease. Therefore, it has been classified as a Variant of Uncertain Significance.